The following is an entry in ClinVar:

ClinVar aggregate classification (germline): Uncertain significance (1 of 4 stars; one submission).

Conditions:
Progressive myoclonic epilepsy type 7. Identifiers: Orphanet 435438, MedGen C4015420, MONDO:0014521, OMIM 616187.

Allele frequency attached by ClinVar (database versions not stated): gnomAD exomes below 0.00001; TOPMed below 0.00001.
gnomAD v4.1: 5 of 1,591,608 alleles (0.00031%); highest among the groups gnomAD compares: Non-Finnish European, 0.00043%; no homozygotes.

Submission:

Labcorp Genetics (formerly Invitae), Labcorp
Classification: Uncertain significance for Progressive myoclonic epilepsy type 7. Last evaluated: 2025-03-11. Review status: criteria provided, single submitter. Criteria: Invitae Variant Classification Sherloc (09022015). Collection method: clinical testing. Allele origin: germline.
Comment: This sequence change replaces glycine, which is neutral and non-polar, with aspartic acid, which is acidic and polar, at codon 167 of the KCNC1 protein (p.Gly167Asp). This variant is not present in population databases (gnomAD no frequency). This variant has not been reported in the literature in individuals affected with KCNC1-related conditions. ClinVar contains an entry for this variant (Variation ID: 1055648). Invitae Evidence Modeling of protein sequence and biophysical properties (such as structural, functional, and spatial information, amino acid conservation, physicochemical variation, residue mobility, and thermodynamic stability) indicates that this missense variant is not expected to disrupt KCNC1 protein function with a negative predictive value of 80%. In summary, the available evidence is currently insufficient to determine the role of this variant in disease. Therefore, it has been classified as a Variant of Uncertain Significance.

NM_001112741.2(KCNC1):c.500G>A (p.Gly167Asp)

Gene: KCNC1 (potassium voltage-gated channel subfamily C member 1; plus strand). Cytogenetic location: 11p15.1.
Variant type: single nucleotide variant.
Coding change: c.500G>A on transcript NM_001112741.2 (MANE Select); coding-DNA position 500, G replaced by A.
Protein change: p.Gly167Asp; replaces glycine 167 with aspartic acid.
Molecular consequence: missense variant.
Genome position (GRCh38, 1-based): chr11:17,736,502, G>A. VCF-style: chr11-17736502-G-A. GRCh37 (hg19) VCF-style: chr11-17758049-G-A.
Other names: c.500G>A, p.Gly167Asp (NM_004976.4); short protein forms G167D.
Identifiers: ClinVar variation 1055648 (VCV001055648.9), dbSNP rs780758127, ClinGen allele CA218497027.